The following is an entry in ClinVar:

NM_080473.5(GATA5):c.763C>T (p.Arg255Trp)

Gene: GATA5 (GATA binding protein 5; minus strand). Cytogenetic location: 20q13.33.
Variant type: single nucleotide variant.
Coding change: c.763C>T on transcript NM_080473.5 (MANE Select); coding-DNA position 763, C replaced by T.
Protein change: p.Arg255Trp; replaces arginine 255 with tryptophan.
Molecular consequence: missense variant.
Genome position (GRCh38, 1-based): chr20:62,466,488, G>A on the plus strand (C>T on the coding strand, the complement: GATA5 is on the minus strand). VCF-style: chr20-62466488-G-A. GRCh37 (hg19) VCF-style: chr20-61041544-G-A.
Other names: short protein forms R255W.
Identifiers: ClinVar variation 1339622 (VCV001339622.10), dbSNP rs919823669, ClinGen allele CA317286254.
Genomic context (GRCh38, chr20:62,466,488, plus strand): 5'-CGTGCAGCTTCATGTAGAGGCCGCAGGCATTGCACACGGGCTCCCCCTCCGAGTTCCGCC[G>A]CCACAGCGTGGTGTTGGTCGTGTGGCAGTTGGTGCAGCAGAGGCCGGCGCGGCGGGACGA-3'
Protein context (NP_536721.1, residues 245-265): NCHTTNTTLW[Arg255Trp]RNSEGEPVCN

ClinVar aggregate classification (germline): Uncertain significance. Review status: criteria provided, multiple submitters, no conflicts (2 of 4 stars). 3 submissions from 3 submitters: Uncertain significance (3). Last evaluated 2025-10-27.

Allele frequency attached by ClinVar (database versions not stated): gnomAD 0.00001 and 0.00002; gnomAD exomes 0.00001; TOPMed 0.00017.
gnomAD v4.1: 13 of 1,573,908 alleles (0.00083%); highest among the groups gnomAD compares: Admixed American, 0.0074%; no homozygotes.

Submissions (3):

Labcorp Genetics (formerly Invitae), Labcorp
Classification: Uncertain significance. Last evaluated: 2025-10-27. Review status: criteria provided, single submitter. Criteria: Invitae Variant Classification Sherloc (09022015). Collection method: clinical testing. Allele origin: germline.
Comment: This sequence change replaces arginine, which is basic and polar, with tryptophan, which is neutral and slightly polar, at codon 255 of the GATA5 protein (p.Arg255Trp). This variant is present in population databases (no rsID available, gnomAD no frequency). This variant has not been reported in the literature in individuals affected with GATA5-related conditions. ClinVar contains an entry for this variant (Variation ID: 1339622). Invitae Evidence Modeling of protein sequence and biophysical properties (such as structural, functional, and spatial information, amino acid conservation, physicochemical variation, residue mobility, and thermodynamic stability) indicates that this missense variant is expected to disrupt GATA5 protein function with a positive predictive value of 80%. In summary, the available evidence is currently insufficient to determine the role of this variant in disease. Therefore, it has been classified as a Variant of Uncertain Significance.

GeneDx
Classification: Uncertain significance. Last evaluated: 2025-09-05. Review status: criteria provided, single submitter. Criteria: GeneDx Variant Classification Process June 2021. Collection method: clinical testing. Allele origin: germline. Affected: yes.
Comment: Reported in a cohort of individuals with bicuspid aortic valve, but detailed clinical information and segregation information were not provided (PMID: 34461831); Not observed at significant frequency in large population cohorts (gnomAD); In silico analysis supports that this missense variant has a deleterious effect on protein structure/function; This variant is associated with the following publications: (PMID: 34461831)

Ambry Genetics
Classification: Uncertain significance. Last evaluated: 2021-08-13. Review status: criteria provided, single submitter. Criteria: Ambry Variant Classification Scheme 2023. Collection method: clinical testing. Allele origin: germline.